The following is an entry in ClinVar:

ClinVar aggregate classification (germline): Uncertain significance (1 of 4 stars; one submission).

Conditions:
LRRC45-related disorder. Also called: LRRC45-related condition.

gnomAD v4.1: 2 of 1,597,108 alleles (0.00013%); highest among the groups gnomAD compares: Non-Finnish European, 0.000085%; no homozygotes.

Submission:

PreventionGenetics, part of Exact Sciences
Classification: Uncertain significance for LRRC45-related condition. Last evaluated: 2025-09-23. Review status: criteria provided, single submitter. Criteria: ACMG Guidelines, 2015. Collection method: clinical testing. Allele origin: germline.
Comment: The LRRC45 c.766T>A variant is predicted to result in the amino acid substitution p.Ser256Thr. To our knowledge, this variant has not been reported in the literature or in a large population database (gnomAD), indicating this variant is rare. At this time, the clinical significance of this variant is uncertain due to the absence of conclusive functional and genetic evidence.

NM_144999.4(LRRC45):c.766T>A (p.Ser256Thr)

Gene: LRRC45 (leucine rich repeat containing 45; plus strand). Cytogenetic location: 17q25.3.
Variant type: single nucleotide variant.
Coding change: c.766T>A on transcript NM_144999.4 (MANE Select); coding-DNA position 766, T replaced by A.
Protein change: p.Ser256Thr; replaces serine 256 with threonine.
Molecular consequence: missense variant.
Genome position (GRCh38, 1-based): chr17:82,027,003, T>A. VCF-style: chr17-82027003-T-A. GRCh37 (hg19) VCF-style: chr17-79984879-T-A.
Other names: short protein forms S256T.
Identifiers: ClinVar variation 4991528 (VCV004991528.1).
Genomic context (GRCh38, chr17:82,027,003, plus strand): 5'-GAGAACCAAGCCCGCACTCACGTCCTCAGCAAGGAGGTCCAGCACCTCCGGGAGGAGAAG[T>A]CCAAGCAGGTGAGGATGGCGCCTTCACTGACCTTGGAGCTGCTTATGGCTGGAGGGCCTG-3'
Protein context (NP_659436.1, residues 246-266): KEVQHLREEK[Ser256Thr]KQFLDLMETI